The following is an entry in ClinVar:

NM_003664.5(AP3B1):c.1571G>A (p.Ser524Asn)

Gene: AP3B1 (adaptor related protein complex 3 subunit beta 1; minus strand). Cytogenetic location: 5q14.1.
Variant type: single nucleotide variant.
Coding change: c.1571G>A on transcript NM_003664.5 (MANE Select); coding-DNA position 1571, G replaced by A.
Protein change: p.Ser524Asn; replaces serine 524 with asparagine.
Molecular consequence: missense variant.
Genome position (GRCh38, 1-based): chr5:78,141,222, C>T on the plus strand (G>A on the coding strand, the complement: AP3B1 is on the minus strand). VCF-style: chr5-78141222-C-T. GRCh37 (hg19) VCF-style: chr5-77437046-C-T.
Other names: c.1424G>A, p.Ser475Asn (NM_001271769.2); c.1571G>A, p.Ser524Asn (NM_001410752.1); short protein forms S475N, S524N.
Identifiers: ClinVar variation 2311776 (VCV002311776.3), dbSNP rs377659889, ClinGen allele CA3317032.
Genomic context (GRCh38, chr5:78,141,222, plus strand): 5'-TACAATTTTGCTCCCAGATTTAATATCTGCAGTTTTACCAGATCATCTTCACTAGTGAAG[C>T]TTTTAGCCATCTTCCTCAAAACATCAGGGGCAATTTTAGGAACTCGTTCACAGTTTTCTC-3'
Protein context (NP_003655.3, residues 514-534): APDVLRKMAK[Ser524Asn]FTSEDDLVKL

ClinVar aggregate classification (germline): Uncertain significance. Review status: criteria provided, multiple submitters, no conflicts (2 of 4 stars). 2 submissions from 2 submitters: Uncertain significance (2). Last evaluated 2025-04-28.

Conditions:
Hermansky-Pudlak syndrome 2 (HPS2). Also called: Platelet defects and oculocutaneous albinism. Identifiers: Orphanet 183678, Orphanet 79430, MedGen C1842362, MONDO:0011997, OMIM 608233.
Inborn genetic diseases. Identifiers: MedGen C0950123, MeSH D030342.

Allele frequency attached by ClinVar (database versions not stated): gnomAD exomes below 0.00001; ExAC 0.00001; TOPMed 0.00001; ESP Exome Variant Server 0.00008.
gnomAD v4.1: 2 of 1,613,674 alleles (0.00012%); highest among the groups gnomAD compares: Non-Finnish European, 0.00017%; no homozygotes.

Submissions (2):

Labcorp Genetics (formerly Invitae), Labcorp
Classification: Uncertain significance for Hermansky-Pudlak syndrome 2. Last evaluated: 2025-04-28. Review status: criteria provided, single submitter. Criteria: Invitae Variant Classification Sherloc (09022015). Collection method: clinical testing. Allele origin: germline.
Comment: This sequence change replaces serine, which is neutral and polar, with asparagine, which is neutral and polar, at codon 524 of the AP3B1 protein (p.Ser524Asn). This variant is present in population databases (rs377659889, gnomAD 0.007%). This variant has not been reported in the literature in individuals affected with AP3B1-related conditions. ClinVar contains an entry for this variant (Variation ID: 2311776). An algorithm developed to predict the effect of missense changes on protein structure and function outputs the following: PolyPhen-2: "Benign". The asparagine amino acid residue is found in multiple mammalian species, which suggests that this missense change does not adversely affect protein function. In summary, the available evidence is currently insufficient to determine the role of this variant in disease. Therefore, it has been classified as a Variant of Uncertain Significance.

Ambry Genetics
Classification: Uncertain significance for Inborn genetic diseases. Last evaluated: 2022-09-14. Review status: criteria provided, single submitter. Criteria: Ambry Variant Classification Scheme 2023. Collection method: clinical testing. Allele origin: germline.